The following is an entry in ClinVar:

NM_152713.5(STT3A):c.440C>G (p.Ala147Gly)

Gene: STT3A (STT3 oligosaccharyltransferase complex catalytic subunit A; plus strand). Cytogenetic location: 11q24.2.
Variant type: single nucleotide variant.
Coding change: c.440C>G on transcript NM_152713.5 (MANE Select); coding-DNA position 440, C replaced by G.
Protein change: p.Ala147Gly; replaces alanine 147 with glycine.
Molecular consequence: missense variant.
Genome position (GRCh38, 1-based): chr11:125,604,179, C>G. VCF-style: chr11-125604179-C-G. GRCh37 (hg19) VCF-style: chr11-125474074-C-G.
Other names: c.164C>G, p.Ala55Gly (NM_001278504.2); c.440C>G, p.Ala147Gly (NM_001278503.2); short protein forms A147G, A55G.
Identifiers: ClinVar variation 3450914 (VCV003450914.3).

ClinVar aggregate classification (germline): Uncertain significance. Review status: criteria provided, multiple submitters, no conflicts (2 of 4 stars). 2 submissions from 2 submitters: Uncertain significance (2). Last evaluated 2025-07-14.

Conditions:
STT3A-congenital disorder of glycosylation. Also called: Congenital disorder of glycosylation type 1w; CONGENITAL DISORDER OF GLYCOSYLATION, TYPE Iw, AUTOSOMAL RECESSIVE; STT3A-CDG. Identifiers: Orphanet 370921, MedGen C5561935, MONDO:0014270, OMIM 615596.
Inborn genetic diseases. Identifiers: MedGen C0950123, MeSH D030342.

gnomAD v4.1: 12 of 1,613,976 alleles (0.00074%); highest among the groups gnomAD compares: South Asian, 0.0066%; no homozygotes.

Submissions (2):

Victorian Clinical Genetics Services, Murdoch Childrens Research Institute
Classification: Uncertain significance for STT3A-congenital disorder of glycosylation. Last evaluated: 2025-07-14. Review status: criteria provided, single submitter. Criteria: ACMG Guidelines, 2015. Collection method: clinical testing. Allele origin: germline. Affected: yes.
Comment: This variant is classified as VUS-3B. Evidence in support of pathogenic classification: Variant is present in gnomAD <0.01 (v4: 12 heterozygote(s), 0 homozygote(s)). Additional information: Variant is predicted to result in a missense amino acid change from Ala to Gly; This variant is homozygous; This gene is associated with both recessive and dominant disease (OMIM); Alternative amino acid change(s) at the same position are present in gnomAD (Highest allele count: v4: 1 heterozygote(s), 0 homozygote(s)); Previous evidence of pathogenicity for this variant is inconclusive. This variant has been classified as a VUS by a clinical laboratory in ClinVar. - No published evidence of segregation with disease has been identified for this variant; No published functional evidence has been identified for this variant; No comparable missense variants have previous evidence for pathogenicity; Variant is located in the annotated STT3 domain (DECIPHER); Missense variant with inconclusive in silico prediction and uninformative conservation; Dominant negative and loss of function are known mechanisms of disease in this gene and are associated with autosomal dominant and recessive congenital disorder of glycosylation, type Iw (MIM#619714) (MIM#615596), respectively (PMIDs: 23842455, 34653363); Variants in this gene are known to have variable expressivity, resulting in a variable phenotype in those affected by dominant disease (PMID: 34653363).

Ambry Genetics
Classification: Uncertain significance for Inborn genetic diseases. Last evaluated: 2024-09-08. Review status: criteria provided, single submitter. Criteria: Ambry Variant Classification Scheme 2023. Collection method: clinical testing. Allele origin: germline.

Literature cited by the submitters: PubMed 23842455 (cited by Victorian Clinical Genetics Services, Murdoch Childrens Research Institute); PubMed 34653363 (cited by Victorian Clinical Genetics Services, Murdoch Childrens Research Institute).